The following is an entry in ClinVar:

NM_001379500.1(COL18A1):c.107-12240T>C

Gene: COL18A1 (collagen type XVIII alpha 1 chain; plus strand). Cytogenetic location: 21q22.3.
Variant type: single nucleotide variant.
Coding change: c.107-12240T>C on transcript NM_001379500.1 (MANE Select); 12240 bases into the intron before coding-DNA position 107, T replaced by C.
Molecular consequence: intron variant. On other transcripts: missense variant (2).
Genome position (GRCh38, 1-based): chr21:45,456,002, T>C. VCF-style: chr21-45456002-T-C. GRCh37 (hg19) VCF-style: chr21-46875916-T-C.
Other names: c.472T>C, p.Ser158Pro (NM_030582.4, NM_130444.3); c.472T>C (NM_030582.3); short protein forms S158P.
Identifiers: ClinVar variation 1472724 (VCV001472724.7), dbSNP rs762591091, ClinGen allele CA10065487.

ClinVar aggregate classification (germline): Conflicting classifications of pathogenicity. Review status: criteria provided, conflicting classifications (1 of 4 stars). 2 submissions from 2 submitters: Uncertain significance (1); Likely benign (1). Last evaluated 2026-08-05.

Conditions:
COL18A1-related disorder. Also called: COL18A1-related condition; COL18A1-related disorders.

Allele frequency attached by ClinVar (database versions not stated): gnomAD 0.00001; gnomAD exomes 0.00008; ExAC 0.00009.
gnomAD v4.1: 45 of 1,612,730 alleles (0.0028%); highest among the groups gnomAD compares: South Asian, 0.047%; 1 homozygote.

Submissions (2):

PreventionGenetics, part of Exact Sciences
Classification: Uncertain significance for COL18A1-related condition. Last evaluated: 2026-08-05. Review status: criteria provided, single submitter. Criteria: ACMG Guidelines, 2015. Collection method: clinical testing. Allele origin: germline.
Comment: The COL18A1 c.472T>C variant is predicted to result in the amino acid substitution p.Ser158Pro. To our knowledge, this variant has not been reported in the literature. This variant is reported in 0.066% of alleles in individuals of South Asian descent in gnomAD, which may be too frequent to be a primary cause of disease. Although we suspect that this variant may be benign, at this time, the clinical significance of this variant is uncertain due to the absence of conclusive functional and genetic evidence.

Labcorp Genetics (formerly Invitae), Labcorp
Classification: Likely benign. Last evaluated: 2024-07-11. Review status: criteria provided, single submitter. Criteria: Invitae Variant Classification Sherloc (09022015). Collection method: clinical testing. Allele origin: germline.